The following is an entry in ClinVar:

NM_004370.6(COL12A1):c.3245C>G (p.Thr1082Arg)

Gene: COL12A1 (collagen type XII alpha 1 chain; minus strand). Cytogenetic location: 6q13.
Variant type: single nucleotide variant.
Coding change: c.3245C>G on transcript NM_004370.6 (MANE Select); coding-DNA position 3245, C replaced by G.
Protein change: p.Thr1082Arg; replaces threonine 1082 with arginine.
Molecular consequence: missense variant. On other transcripts: intron variant (1).
Genome position (GRCh38, 1-based): chr6:75,156,262, G>C on the plus strand (C>G on the coding strand, the complement: COL12A1 is on the minus strand). VCF-style: chr6-75156262-G-C. GRCh37 (hg19) VCF-style: chr6-75865978-G-C.
Other names: c.74-3780C>G (NM_080645.3); short protein forms T1082R.
Identifiers: ClinVar variation 542488 (VCV000542488.18), dbSNP rs762817385, ClinGen allele CA3893781.
Genomic context (GRCh38, chr6:75,156,262, plus strand): 5'-CATCTTTTAAAACATTACCTTCTCTCCCCCTCAAAATATAATTATTATTTCATACCTGTT[G>C]TTCCTGATCCTTGCCTAAGCTTTCCTTCTCCCATCTTGTAAATAGGAAGAACTGTGATGT-3'
Protein context (NP_004361.3, residues 1072-1092): GEGKLRQGSG[Thr1082Arg]TASRFKSPRN

ClinVar aggregate classification (germline): Conflicting classifications of pathogenicity. Review status: criteria provided, conflicting classifications (1 of 4 stars). 3 submissions from 3 submitters: Uncertain significance (2); Likely benign (1). Last evaluated 2026-02-17.

Conditions:
Ullrich congenital muscular dystrophy 2 (UCMD2). Identifiers: Orphanet 75840, MedGen C4225314, MONDO:0014654, OMIM 616470.
Bethlem myopathy 2 (BTHLM2). Identifiers: Orphanet 536516, Orphanet 610, MedGen C4225313, MONDO:0034022, OMIM 616471.

Allele frequency attached by ClinVar (database versions not stated): gnomAD 0.00003; gnomAD exomes 0.00004; ExAC 0.00005; TOPMed 0.00005.
gnomAD v4.1: 145 of 1,613,590 alleles (0.009%); highest among the groups gnomAD compares: Non-Finnish European, 0.012%; no homozygotes.

Submissions (3):

Women's Health and Genetics/Laboratory Corporation of America, LabCorp
Classification: Uncertain significance. Last evaluated: 2026-02-17. Review status: criteria provided, single submitter. Criteria: LabCorp Variant Classification Summary - May 2015. Collection method: clinical testing. Allele origin: germline.
Comment: Variant summary: COL12A1 c.3245C>G (p.Thr1082Arg) results in a non-conservative amino acid change located in the Fibronectin type III domain (IPR003961) of the encoded protein sequence. Algorithms developed to predict the effect of missense changes on protein structure and function are either unavailable or do not agree on the potential impact of this missense change. The variant allele was found at a frequency of 3.6e-05 in 249006 control chromosomes. The available data on variant occurrences in the general population are insufficient to allow any conclusion about variant significance. To our knowledge, no occurrence of c.3245C>G in individuals affected with COL12A1-related conditions and no experimental evidence demonstrating its impact on protein function have been reported. ClinVar contains an entry for this variant (Variation ID: 542488). Based on the evidence outlined above, the variant was classified as uncertain significance.

Labcorp Genetics (formerly Invitae), Labcorp
Classification: Likely benign for Bethlem myopathy 2; Ullrich congenital muscular dystrophy 2. Last evaluated: 2025-10-05. Review status: criteria provided, single submitter. Criteria: Invitae Variant Classification Sherloc (09022015). Collection method: clinical testing. Allele origin: germline.

GeneDx
Classification: Uncertain significance. Last evaluated: 2025-07-07. Review status: criteria provided, single submitter. Criteria: GeneDx Variant Classification Process June 2021. Collection method: clinical testing. Allele origin: germline. Affected: yes.
Comment: In silico analysis suggests that this missense variant does not alter protein structure/function; Has not been previously published as pathogenic or benign to our knowledge